The following is an entry in ClinVar:

ClinVar aggregate classification (germline): Uncertain significance (1 of 4 stars; one submission).

gnomAD v4.1: 2 of 1,613,816 alleles (0.00012%); highest among the groups gnomAD compares: Middle Eastern, 0.017%; no homozygotes.

Submission:

CeGaT Center for Human Genetics Tuebingen
Classification: Uncertain significance. Last evaluated: 2024-07-01. Review status: criteria provided, single submitter. Criteria: CeGaT Center For Human Genetics Tuebingen Variant Classification Criteria Version 2. Collection method: clinical testing. Allele origin: germline. Affected: yes. Observed: 1 variant allele.
Comment: PKD1L1: PM2, BP4

NM_138295.5(PKD1L1):c.4427A>G (p.Asn1476Ser)

Gene: PKD1L1 (polycystin 1 like 1, transient receptor potential channel interacting; minus strand). Cytogenetic location: 7p12.3.
Variant type: single nucleotide variant.
Coding change: c.4427A>G on transcript NM_138295.5 (MANE Select); coding-DNA position 4427, A replaced by G.
Protein change: p.Asn1476Ser; replaces asparagine 1476 with serine.
Molecular consequence: missense variant.
Genome position (GRCh38, 1-based): chr7:47,857,768, T>C on the plus strand (A>G on the coding strand, the complement: PKD1L1 is on the minus strand). VCF-style: chr7-47857768-T-C. GRCh37 (hg19) VCF-style: chr7-47897366-T-C.
Other names: short protein forms N1476S.
Identifiers: ClinVar variation 3257189 (VCV003257189.17).